The following is an entry in ClinVar:

ClinVar aggregate classification (germline): Uncertain significance. Review status: criteria provided, multiple submitters, no conflicts (2 of 4 stars). 2 submissions from 2 submitters: Uncertain significance (2). Last evaluated 2025-08-05.

Conditions:
Inborn genetic diseases. Identifiers: MedGen C0950123, MeSH D030342.

Allele frequency attached by ClinVar (database versions not stated): ExAC 0.00001; gnomAD 0.00001; TOPMed 0.00001; gnomAD exomes 0.00002.
gnomAD v4.1: 38 of 1,613,872 alleles (0.0024%); highest among the groups gnomAD compares: Non-Finnish European, 0.003%; no homozygotes.

Submissions (2):

Ambry Genetics
Classification: Uncertain significance for Inborn genetic diseases. Last evaluated: 2025-08-05. Review status: criteria provided, single submitter. Criteria: Ambry Variant Classification Scheme 2023. Collection method: clinical testing. Allele origin: germline.

Labcorp Genetics (formerly Invitae), Labcorp
Classification: Uncertain significance. Last evaluated: 2024-04-10. Review status: criteria provided, single submitter. Criteria: Invitae Variant Classification Sherloc (09022015). Collection method: clinical testing. Allele origin: germline.
Comment: This sequence change replaces tyrosine, which is neutral and polar, with histidine, which is basic and polar, at codon 132 of the ROR2 protein (p.Tyr132His). This variant is present in population databases (rs774277014, gnomAD 0.007%). This variant has not been reported in the literature in individuals affected with ROR2-related conditions. ClinVar contains an entry for this variant (Variation ID: 2202015). An algorithm developed to predict the effect of missense changes on protein structure and function (PolyPhen-2) suggests that this variant is likely to be disruptive. In summary, the available evidence is currently insufficient to determine the role of this variant in disease. Therefore, it has been classified as a Variant of Uncertain Significance.

NM_004560.4(ROR2):c.394T>C (p.Tyr132His)

Gene: ROR2 (receptor tyrosine kinase like orphan receptor 2; minus strand). Cytogenetic location: 9q22.31.
Variant type: single nucleotide variant.
Coding change: c.394T>C on transcript NM_004560.4 (MANE Select); coding-DNA position 394, T replaced by C.
Protein change: p.Tyr132His; replaces tyrosine 132 with histidine.
Molecular consequence: missense variant.
Genome position (GRCh38, 1-based): chr9:91,757,341, A>G on the plus strand (T>C on the coding strand, the complement: ROR2 is on the minus strand). VCF-style: chr9-91757341-A-G. GRCh37 (hg19) VCF-style: chr9-94519623-A-G.
Other names: c.394T>C, p.Tyr132His (NM_001318204.2); c.394T>C (NM_004560.3); short protein forms Y132H.
Identifiers: ClinVar variation 2202015 (VCV002202015.5), dbSNP rs774277014, ClinGen allele CA5121049.